The following is an entry in ClinVar:

NM_015910.7(WDPCP):c.661A>G (p.Ile221Val)

Gene: WDPCP (WD repeat containing planar cell polarity effector; minus strand). Cytogenetic location: 2p15.
Variant type: single nucleotide variant.
Coding change: c.661A>G on transcript NM_015910.7 (MANE Select); coding-DNA position 661, A replaced by G.
Protein change: p.Ile221Val; replaces isoleucine 221 with valine.
Molecular consequence: missense variant. On other transcripts: non-coding transcript variant (3).
Genome position (GRCh38, 1-based): chr2:63,433,909, T>C on the plus strand (A>G on the coding strand, the complement: WDPCP is on the minus strand). VCF-style: chr2-63433909-T-C. GRCh37 (hg19) VCF-style: chr2-63661043-T-C.
Other names: c.184A>G, p.Ile62Val (NM_001042692.3); c.589A>G, p.Ile197Val (NM_001354044.2); c.661A>G, p.Ile221Val (NM_001354045.2); short protein forms I221V, I197V, I62V.
Identifiers: ClinVar variation 896142 (VCV000896142.11), dbSNP rs571641878, ClinGen allele CA1682378.
Genomic context (GRCh38, chr2:63,433,909, plus strand): 5'-AGCAAACAACTCTATCATGAACACAGTTGATAGCTAGATGTCGCTCTGTTGTCTTGTTTA[T>C]TGGGCCGGGTATTTCATAATAGAAAATCTAACAATTTTAAAAAAGCATACATGAAACATT-3'
Protein context (NP_056994.3, residues 211-231): KIFYYEIPGP[Ile221Val]NKTTERHLAI

ClinVar aggregate classification (germline): Conflicting classifications of pathogenicity. Review status: criteria provided, conflicting classifications (1 of 4 stars). 4 submissions from 4 submitters: Uncertain significance (1); Benign (1); Likely benign (1). 1 of the submissions does not count toward it. Last evaluated 2023-10-05.

Conditions:
WDPCP-related disorder. Also called: WDPCP-related condition.
Bardet-Biedl syndrome (BBS). Identifiers: Orphanet 110, MedGen C0752166, MONDO:0015229.
Bardet-Biedl syndrome 15 (BBS15). Identifiers: Orphanet 110, MedGen C3150127, MONDO:0014443, OMIM 615992.

Allele frequency attached by ClinVar (database versions not stated): gnomAD below 0.00001 and 0.00003; TOPMed 0.00001; gnomAD exomes 0.00009 and 0.00019; ExAC 0.00025; 1000 Genomes Project 0.00060; 1000 Genomes Project 30x 0.00078.
gnomAD v4.1: 127 of 1,613,974 alleles (0.0079%); highest among the groups gnomAD compares: South Asian, 0.14%; 2 homozygotes.

Submissions (4):

Labcorp Genetics (formerly Invitae), Labcorp
Classification: Likely benign for Bardet-Biedl syndrome. Last evaluated: 2023-10-05. Review status: criteria provided, single submitter. Criteria: Invitae Variant Classification Sherloc (09022015). Collection method: clinical testing. Allele origin: germline.

Blueprint Genetics
Classification: Benign. Last evaluated: 2023-08-24. Review status: criteria provided, single submitter. Criteria: ACMG Guidelines, 2015. Collection method: clinical testing. Allele origin: germline.

Illumina Laboratory Services, Illumina
Classification: Uncertain significance for Bardet-Biedl syndrome 15. Last evaluated: 2018-01-13. Review status: criteria provided, single submitter. Criteria: ICSL Variant Classification Criteria 13 December 2019. Collection method: clinical testing. Allele origin: germline.

PreventionGenetics, part of Exact Sciences
Classification: Likely benign for WDPCP-related condition. Last evaluated: 2022-08-29. Review status: no assertion criteria provided. Collection method: clinical testing. Allele origin: germline. Not counted in ClinVar's aggregate classification.
Comment: This variant is classified as likely benign based on ACMG/AMP sequence variant interpretation guidelines (Richards et al. 2015 PMID: 25741868, with internal and published modifications).